The following is an entry in ClinVar:

ClinVar aggregate classification (germline): Uncertain significance (1 of 4 stars; one submission).

Conditions:
Anauxetic dysplasia. Identifiers: Orphanet 93347, MedGen C1846796, MONDO:0011773.

Submission:

Labcorp Genetics (formerly Invitae), Labcorp
Classification: Uncertain significance for Anauxetic dysplasia. Last evaluated: 2022-06-18. Review status: criteria provided, single submitter. Criteria: Invitae Variant Classification Sherloc (09022015). Collection method: clinical testing. Allele origin: germline.
Comment: This variant occurs in the RMRP gene, which encodes an RNA molecule that does not result in a protein product. This variant is not present in population databases (gnomAD no frequency). This variant has not been reported in the literature in individuals affected with RMRP-related conditions. Experimental studies and prediction algorithms are not available or were not evaluated, and the functional significance of this variant is currently unknown. In summary, the available evidence is currently insufficient to determine the role of this variant in disease. Therefore, it has been classified as a Variant of Uncertain Significance.

NC_000009.12:g.35658002G>C

Gene: RMRP (RNA component of mitochondrial RNA processing endoribonuclease; minus strand). Cytogenetic location: 9p13.3.
Variant type: single nucleotide variant.
Genome position: GRCh38 VCF-style: chr9-35658002-G-C. GRCh37 (hg19) VCF-style: chr9-35657999-G-C.
Identifiers: ClinVar variation 1505245 (VCV001505245.3), dbSNP rs769169620, ClinGen allele CA464451057.